The following is an entry in ClinVar:

ClinVar aggregate classification (germline): Likely benign. Review status: criteria provided, multiple submitters, no conflicts (2 of 4 stars). 2 submissions from 2 submitters: Likely benign (2). Last evaluated 2025-08-07.

Conditions:
Congenital insensitivity to pain-hypohidrosis syndrome. Also called: HSAN VIII; Neuropathy, hereditary sensory and autonomic, type VIII. Identifiers: Orphanet 478664, MedGen C4225308, MONDO:0014662, OMIM 616488.
PRDM12-related disorder. Also called: PRDM12-related condition.

Allele frequency attached by ClinVar (database versions not stated): gnomAD exomes below 0.00001 and 0.00001; gnomAD 0.00001; TOPMed 0.00001.
gnomAD v4.1: 9 of 1,587,354 alleles (0.00057%); highest among the groups gnomAD compares: Non-Finnish European, 0.00077%; no homozygotes.

Submissions (2):

PreventionGenetics, part of Exact Sciences
Classification: Likely benign for PRDM12-related condition. Last evaluated: 2025-08-07. Review status: criteria provided, single submitter. Criteria: ACMG Guidelines, 2015. Collection method: clinical testing. Allele origin: germline.
Comment: This variant is classified as likely benign based on ACMG/AMP sequence variant interpretation guidelines (Richards et al. 2015 PMID: 25741868, with internal and published modifications).

Labcorp Genetics (formerly Invitae), Labcorp
Classification: Likely benign for Congenital insensitivity to pain-hypohidrosis syndrome. Last evaluated: 2023-07-08. Review status: criteria provided, single submitter. Criteria: Invitae Variant Classification Sherloc (09022015). Collection method: clinical testing. Allele origin: germline.

NM_021619.3(PRDM12):c.795C>T (p.His265=)

Gene: PRDM12 (PR/SET domain 12; plus strand). Cytogenetic location: 9q34.12.
Variant type: single nucleotide variant.
Coding change: c.795C>T on transcript NM_021619.3 (MANE Select); coding-DNA position 795, C replaced by T.
Protein change: p.His265=; no amino-acid change (histidine 265 retained).
Molecular consequence: synonymous variant.
Genome position (GRCh38, 1-based): chr9:130,681,360, C>T. VCF-style: chr9-130681360-C-T. GRCh37 (hg19) VCF-style: chr9-133556747-C-T.
Other names: c.795C>T (NM_021619.2).
Identifiers: ClinVar variation 1584676 (VCV001584676.10), dbSNP rs1202928792, ClinGen allele CA467495876.
Genomic context (GRCh38, chr9:130,681,360, plus strand): 5'-CGTCATCTGCCACCGCGGCTTCAACTCGCGCAGCAACCTGCGCTCGCACATGCGCATCCA[C>T]ACGCTGGACAAGCCCTTCGTGTGCCGCTTCTGCAACCGCCGCTTCAGCCAGTCGTCCACG-3'
Protein context (NP_067632.2, residues 255-275): RSNLRSHMRI[His265=]TLDKPFVCRF